The following is an entry in ClinVar:

ClinVar aggregate classification (germline): Pathogenic (1 of 4 stars; one submission).

Conditions:
Long QT syndrome (LQTS). Identifiers: MedGen C0023976, MeSH D008133, MONDO:0002442. Disease mechanism: loss of function. Inheritance: Various modes of inheritance.

Submission:

Labcorp Genetics (formerly Invitae), Labcorp
Classification: Pathogenic for Long QT syndrome. Last evaluated: 2024-08-13. Review status: criteria provided, single submitter. Criteria: Invitae Variant Classification Sherloc (09022015). Collection method: clinical testing. Allele origin: germline.
Comment: This sequence change creates a premature translational stop signal (p.Gln531*) in the KCNQ1 gene. It is expected to result in an absent or disrupted protein product. Loss-of-function variants in KCNQ1 are known to be pathogenic (PMID: 9323054, 19862833). This variant is not present in population databases (gnomAD no frequency). This premature translational stop signal has been observed in individual(s) with clinical features of long QT syndrome (PMID: 19716085). ClinVar contains an entry for this variant (Variation ID: 965523). For these reasons, this variant has been classified as Pathogenic.

Literature cited by the submitters: PubMed 9323054; PubMed 19862833; PubMed 19716085.

NM_000218.3(KCNQ1):c.1591C>T (p.Gln531Ter)

Gene: KCNQ1 (potassium voltage-gated channel subfamily Q member 1; plus strand). Cytogenetic location: 11p15.5.
Variant type: single nucleotide variant.
Coding change: c.1591C>T on transcript NM_000218.3 (MANE Select); coding-DNA position 1591, C replaced by T.
Protein change: p.Gln531Ter; replaces glutamine 531 with a stop codon.
Molecular consequence: nonsense.
Genome position (GRCh38, 1-based): chr11:2,775,960, C>T. VCF-style: chr11-2775960-C-T. GRCh37 (hg19) VCF-style: chr11-2797190-C-T.
Other names: c.1495C>T, p.Gln499Ter (NM_001406836.1); c.1321C>T, p.Gln441Ter (NM_001406837.1); c.1051C>T, p.Gln351Ter (NM_001406838.1); c.1210C>T, p.Gln404Ter (NM_181798.2); short protein forms Q531*, Q404*, Q441*, Q499*, Q351*.
Identifiers: ClinVar variation 965523 (VCV000965523.11), dbSNP rs1381293874, ClinGen allele CA379139058.